The following is an entry in ClinVar:

NM_001378030.1(CCDC78):c.712A>C (p.Lys238Gln)

Gene: CCDC78 (coiled-coil domain containing 78; minus strand). Cytogenetic location: 16p13.3.
Variant type: single nucleotide variant.
Coding change: c.712A>C on transcript NM_001378030.1 (MANE Select); coding-DNA position 712, A replaced by C.
Protein change: p.Lys238Gln; replaces lysine 238 with glutamine.
Molecular consequence: missense variant. On other transcripts: non-coding transcript variant (5), intron variant (1).
Genome position (GRCh38, 1-based): chr16:724,734, T>G on the plus strand (A>C on the coding strand, the complement: CCDC78 is on the minus strand). VCF-style: chr16-724734-T-G. GRCh37 (hg19) VCF-style: chr16-774734-T-G.
Other names: c.712A>C, p.Lys238Gln (NM_001031737.3, NM_001378031.1); c.199-225A>C (NM_001378033.1); short protein forms K238Q.
Identifiers: ClinVar variation 128630 (VCV000128630.52), dbSNP rs142136104, ClinGen allele CA230970.

ClinVar aggregate classification (germline): Benign/Likely benign. Review status: criteria provided, multiple submitters, no conflicts (2 of 4 stars). 6 submissions from 6 submitters: Benign (4); Likely benign (2). Last evaluated 2026-08-01.

Conditions:
Congenital myopathy with internal nuclei and atypical cores. Also called: Myopathy, centronuclear, 4. Identifiers: Orphanet 319160, MedGen C4707232, MONDO:0013890, OMIM 614807.

Allele frequency attached by ClinVar (database versions not stated): 1000 Genomes Project 0.00280; 1000 Genomes Project 30x 0.00281; TOPMed 0.00679; gnomAD 0.00807 and 0.00853; ESP Exome Variant Server 0.00888; gnomAD exomes 0.00912; ExAC 0.00984.
gnomAD v4.1: 17,941 of 1,612,256 alleles (1.1%); highest among the groups gnomAD compares: Non-Finnish European, 1.3%; 120 homozygotes.

Submissions (6):

CeGaT Center for Human Genetics Tuebingen
Classification: Benign. Last evaluated: 2026-08-01. Review status: criteria provided, single submitter. Criteria: CeGaT Center For Human Genetics Tuebingen Variant Classification Criteria Version 2. Collection method: clinical testing. Allele origin: germline. Affected: yes. Observed: 14 variant alleles.
Comment: CCDC78: BP4, BS1, BS2

Labcorp Genetics (formerly Invitae), Labcorp
Classification: Benign for Congenital myopathy with internal nuclei and atypical cores. Last evaluated: 2026-02-02. Review status: criteria provided, single submitter. Criteria: Invitae Variant Classification Sherloc (09022015). Collection method: clinical testing. Allele origin: germline.

GeneDx
Classification: Likely benign. Last evaluated: 2023-10-19. Review status: criteria provided, single submitter. Criteria: GeneDx Variant Classification Process June 2021. Collection method: clinical testing. Allele origin: germline. Affected: yes.
Comment: See Variant Classification Assertion Criteria.

Genetic Services Laboratory, University of Chicago
Classification: Benign. Last evaluated: 2016-09-02. Review status: criteria provided, single submitter. Criteria: ACMG Guidelines, 2015. Collection method: clinical testing. Allele origin: germline. Affected: no.

Breakthrough Genomics
Classification: Likely benign. Review status: criteria provided, single submitter. Criteria: ACMG Guidelines, 2015. Collection method: not provided. Allele origin: germline. Inheritance: Autosomal dominant inheritance. Affected: yes.

PreventionGenetics, part of Exact Sciences
Classification: Benign. Review status: criteria provided, single submitter. Criteria: ACMG Guidelines, 2015. Collection method: clinical testing. Allele origin: germline.